The following is an entry in ClinVar:

NM_001122630.2(CDKN1C):c.481C>A (p.Pro161Thr)

Gene: CDKN1C (cyclin dependent kinase inhibitor 1C; minus strand). Cytogenetic location: 11p15.4.
Variant type: single nucleotide variant.
Coding change: c.481C>A on transcript NM_001122630.2 (MANE Select); coding-DNA position 481, C replaced by A.
Protein change: p.Pro161Thr; replaces proline 161 with threonine.
Molecular consequence: missense variant. On other transcripts: intron variant (1).
Genome position (GRCh38, 1-based): chr11:2,884,976, G>T on the plus strand (C>A on the coding strand, the complement: CDKN1C is on the minus strand). VCF-style: chr11-2884976-G-T. GRCh37 (hg19) VCF-style: chr11-2906206-G-T.
Other names: c.514C>A, p.Pro172Thr (NM_000076.2, NM_001362474.2); c.481C>A, p.Pro161Thr (NM_001122631.2); c.255+226C>A (NM_001362475.2); short protein forms P172T, P161T.
Identifiers: ClinVar variation 1462804 (VCV001462804.8), dbSNP rs1342240264, ClinGen allele CA379146551.
Genomic context (GRCh38, chr11:2,884,976, plus strand): 5'-GGGCCGGAGCCGGAGCCGGAGCCGGGGCCGGGGCCGGGGCCAGGACCGCGACCGCGACCG[G>T]AGCCGCGACCGGAGCCGCGACCGGAGCCGGAGCCGGGGCCGGGGCTGGAGCCAGGACCGG-3'
Protein context (NP_001116102.1, residues 151-171): PAPVAAPVAA[Pro161Thr]VAVAVLAPAP

ClinVar aggregate classification (germline): Uncertain significance (1 of 4 stars; one submission).

Conditions:
Beckwith-Wiedemann syndrome (BWS). Also called: Exomphalos macroglossia gigantism syndrome; EMG SYNDROME. Identifiers: Orphanet 116, MedGen C0004903, MONDO:0007534, OMIM 130650.

Submission:

Labcorp Genetics (formerly Invitae), Labcorp
Classification: Uncertain significance for Beckwith-Wiedemann syndrome. Last evaluated: 2021-03-13. Review status: criteria provided, single submitter. Criteria: Invitae Variant Classification Sherloc (09022015). Collection method: clinical testing. Allele origin: germline.
Comment: Algorithms developed to predict the effect of missense changes on protein structure and function are either unavailable or do not agree on the potential impact of this missense change (SIFT: "Deleterious"; PolyPhen-2: "Not Available"; Align-GVGD: "Class C0"). In summary, the available evidence is currently insufficient to determine the role of this variant in disease. Therefore, it has been classified as a Variant of Uncertain Significance. This variant has not been reported in the literature in individuals with CDKN1C-related conditions. The frequency data for this variant in the population databases is considered unreliable, as metrics indicate insufficient coverage at this position in the ExAC database. This sequence change replaces proline with threonine at codon 172 of the CDKN1C protein (p.Pro172Thr). The proline residue is weakly conserved and there is a small physicochemical difference between proline and threonine.